The following is an entry in ClinVar:

ClinVar aggregate classification (germline): Uncertain significance (1 of 4 stars; one submission).

Allele frequency attached by ClinVar (database versions not stated): ESP Exome Variant Server 0.00015; gnomAD exomes 0.00001; TOPMed 0.00007; gnomAD 0.00009; ExAC 0.00005.
gnomAD v4.1: 27 of 1,612,922 alleles (0.0017%); highest among the groups gnomAD compares: African/African-American, 0.032%; no homozygotes.

Submission:

Labcorp Genetics (formerly Invitae), Labcorp
Classification: Uncertain significance. Last evaluated: 2025-11-03. Review status: criteria provided, single submitter. Criteria: Invitae Variant Classification Sherloc (09022015). Collection method: clinical testing. Allele origin: germline.
Comment: This sequence change replaces valine, which is neutral and non-polar, with alanine, which is neutral and non-polar, at codon 267 of the INTU protein (p.Val267Ala). This variant is present in population databases (rs140355383, gnomAD 0.04%). This variant has not been reported in the literature in individuals affected with INTU-related conditions. ClinVar contains an entry for this variant (Variation ID: 2737702). Invitae Evidence Modeling of protein sequence and biophysical properties (such as structural, functional, and spatial information, amino acid conservation, physicochemical variation, residue mobility, and thermodynamic stability) indicates that this missense variant is not expected to disrupt INTU protein function with a negative predictive value of 80%. In summary, the available evidence is currently insufficient to determine the role of this variant in disease. Therefore, it has been classified as a Variant of Uncertain Significance.

NM_015693.4(INTU):c.800T>C (p.Val267Ala)

Gene: INTU (inturned planar cell polarity protein; plus strand). Cytogenetic location: 4q28.1.
Variant type: single nucleotide variant.
Coding change: c.800T>C on transcript NM_015693.4 (MANE Select); coding-DNA position 800, T replaced by C.
Protein change: p.Val267Ala; replaces valine 267 with alanine.
Molecular consequence: missense variant.
Genome position (GRCh38, 1-based): chr4:127,663,412, T>C. VCF-style: chr4-127663412-T-C. GRCh37 (hg19) VCF-style: chr4-128584567-T-C.
Other names: short protein forms V267A.
Identifiers: ClinVar variation 2737702 (VCV002737702.3), dbSNP rs140355383, ClinGen allele CA3074902.